The following is an entry in ClinVar:

NM_007074.4(CORO1A):c.684C>T (p.Phe228=)

Genes: CORO1A (coronin 1A; plus strand), LOC121587541 (Sharpr-MPRA regulatory region 7413; plus strand). Cytogenetic location: 16p11.2.
Variant type: single nucleotide variant.
Coding change: c.684C>T on transcript NM_007074.4 (MANE Select); coding-DNA position 684, C replaced by T.
Protein change: p.Phe228=; no amino-acid change (phenylalanine 228 retained).
Molecular consequence: synonymous variant.
Genome position (GRCh38, 1-based): chr16:30,187,429, C>T. VCF-style: chr16-30187429-C-T. GRCh37 (hg19) VCF-style: chr16-30198750-C-T.
Other names: c.684C>T, p.Phe228= (NM_001193333.3).
Identifiers: ClinVar variation 2889982 (VCV002889982.16), dbSNP rs371077364, ClinGen allele CA8003211.

ClinVar aggregate classification (germline): Likely benign. Review status: criteria provided, multiple submitters, no conflicts (2 of 4 stars). 2 submissions from 2 submitters: Likely benign (2). Last evaluated 2025-10-28.

Conditions:
Severe combined immunodeficiency due to CORO1A deficiency. Also called: IMMUNODEFICIENCY 8 WITH LYMPHOPROLIFERATION; Immunodeficiency 8. Identifiers: Orphanet 228003, MedGen C3809383, MONDO:0014168, OMIM 615401.

Allele frequency attached by ClinVar (database versions not stated): gnomAD 0.00001; TOPMed 0.00002; ExAC 0.00004; ESP Exome Variant Server 0.00008.
gnomAD v4.1: 26 of 1,610,906 alleles (0.0016%); highest among the groups gnomAD compares: Middle Eastern, 0.049%; no homozygotes.

Submissions (2):

Labcorp Genetics (formerly Invitae), Labcorp
Classification: Likely benign for Severe combined immunodeficiency due to CORO1A deficiency. Last evaluated: 2025-10-28. Review status: criteria provided, single submitter. Criteria: Invitae Variant Classification Sherloc (09022015). Collection method: clinical testing. Allele origin: germline.

CeGaT Center for Human Genetics Tuebingen
Classification: Likely benign. Last evaluated: 2025-01-01. Review status: criteria provided, single submitter. Criteria: CeGaT Center For Human Genetics Tuebingen Variant Classification Criteria Version 2. Collection method: clinical testing. Allele origin: germline. Affected: yes. Observed: 1 variant allele.
Comment: CORO1A: BP4, BP7